The following is an entry in ClinVar:

NM_006790.3(MYOT):c.398C>T (p.Pro133Leu)

Genes: PKD2L2-DT (PKD2L2 divergent transcript; minus strand), MYOT (myotilin; plus strand). Cytogenetic location: 5q31.2.
Variant type: single nucleotide variant.
Coding change: c.398C>T on transcript NM_006790.3 (MANE Select); coding-DNA position 398, C replaced by T.
Protein change: p.Pro133Leu; replaces proline 133 with leucine.
Molecular consequence: missense variant. On other transcripts: 5 prime UTR variant (1).
Genome position (GRCh38, 1-based): chr5:137,875,870, C>T. VCF-style: chr5-137875870-C-T. GRCh37 (hg19) VCF-style: chr5-137211559-C-T.
Other names: c.-155C>T (NM_001135940.2); c.53C>T, p.Pro18Leu (NM_001300911.2); short protein forms P133L, P18L.
Identifiers: ClinVar variation 533010 (VCV000533010.11), dbSNP rs779568205, ClinGen allele CA3422909.

ClinVar aggregate classification (germline): Conflicting classifications of pathogenicity. Review status: criteria provided, conflicting classifications (1 of 4 stars). 3 submissions from 3 submitters: Uncertain significance (2); Likely benign (1). Last evaluated 2026-01-19.

Conditions:
Inborn genetic diseases. Identifiers: MedGen C0950123, MeSH D030342.
Myofibrillar myopathy 3 (MFM3). Also called: Muscular dystrophy, proximal, type 1A; Autosomal dominant spheroid body myopathy. Identifiers: Orphanet 266, Orphanet 268129, MedGen C3714934, MONDO:0012215, OMIM 609200.
Heart failure. Identifiers: MedGen C0018801, MONDO:0005252.

Allele frequency attached by ClinVar (database versions not stated): gnomAD 0.00001; gnomAD exomes 0.00003 and 0.00008; TOPMed 0.00004; ExAC 0.00007.
gnomAD v4.1: 22 of 1,613,928 alleles (0.0014%); highest among the groups gnomAD compares: Admixed American, 0.037%; no homozygotes.

Submissions (3):

Labcorp Genetics (formerly Invitae), Labcorp
Classification: Uncertain significance for Myofibrillar myopathy 3. Last evaluated: 2026-01-19. Review status: criteria provided, single submitter. Criteria: Invitae Variant Classification Sherloc (09022015). Collection method: clinical testing. Allele origin: germline.
Comment: This sequence change replaces proline, which is neutral and non-polar, with leucine, which is neutral and non-polar, at codon 133 of the MYOT protein (p.Pro133Leu). This variant is present in population databases (rs779568205, gnomAD 0.05%), and has an allele count higher than expected for a pathogenic variant. This variant has not been reported in the literature in individuals affected with MYOT-related conditions. ClinVar contains an entry for this variant (Variation ID: 533010). Invitae Evidence Modeling of protein sequence and biophysical properties (such as structural, functional, and spatial information, amino acid conservation, physicochemical variation, residue mobility, and thermodynamic stability) indicates that this missense variant is not expected to disrupt MYOT protein function with a negative predictive value of 80%. In summary, the available evidence is currently insufficient to determine the role of this variant in disease. Therefore, it has been classified as a Variant of Uncertain Significance.

Ambry Genetics
Classification: Uncertain significance for Inborn genetic diseases. Last evaluated: 2024-06-26. Review status: criteria provided, single submitter. Criteria: Ambry Variant Classification Scheme 2023. Collection method: clinical testing. Allele origin: germline.

Center for Advanced Laboratory Medicine, UC San Diego Health, University of California San Diego
Classification: Likely benign for Heart failure. Last evaluated: 2017-08-03. Review status: criteria provided, single submitter. Criteria: ACMG Guidelines, 2015. Collection method: clinical testing. Allele origin: germline. Affected: yes. Observed: 1 variant allele.